The following is an entry in ClinVar:

NM_020442.6(VARS2):c.3036C>T (p.Ser1012=)

Gene: VARS2 (valyl-tRNA synthetase 2, mitochondrial; plus strand). Cytogenetic location: 6p21.33.
Variant type: single nucleotide variant.
Coding change: c.3036C>T on transcript NM_020442.6 (MANE Select); coding-DNA position 3036, C replaced by T.
Protein change: p.Ser1012=; no amino-acid change (serine 1012 retained).
Molecular consequence: synonymous variant.
Genome position (GRCh38, 1-based): chr6:30,925,954, C>T. VCF-style: chr6-30925954-C-T. GRCh37 (hg19) VCF-style: chr6-30893731-C-T.
Other names: c.2616C>T, p.Ser872= (NM_001167733.3); c.3126C>T, p.Ser1042= (NM_001167734.2).
Identifiers: ClinVar variation 3067557 (VCV003067557.22), dbSNP rs758429375, ClinGen allele CA136813118.

ClinVar aggregate classification (germline): Likely benign. Review status: criteria provided, multiple submitters, no conflicts (2 of 4 stars). 2 submissions from 2 submitters: Likely benign (2). Last evaluated 2025-10-03.

gnomAD v4.1: 34 of 1,612,966 alleles (0.0021%); highest among the groups gnomAD compares: African/African-American, 0.0053%; no homozygotes.

Submissions (2):

Labcorp Genetics (formerly Invitae), Labcorp
Classification: Likely benign. Last evaluated: 2025-10-03. Review status: criteria provided, single submitter. Criteria: Invitae Variant Classification Sherloc (09022015). Collection method: clinical testing. Allele origin: germline.

CeGaT Center for Human Genetics Tuebingen
Classification: Likely benign. Last evaluated: 2024-03-01. Review status: criteria provided, single submitter. Criteria: CeGaT Center For Human Genetics Tuebingen Variant Classification Criteria Version 2. Collection method: clinical testing. Allele origin: germline. Affected: yes. Observed: 1 variant allele.
Comment: VARS2: BP4, BP7